The following is an entry in ClinVar:

ClinVar aggregate classification (germline): Uncertain significance (1 of 4 stars; one submission).

Allele frequency attached by ClinVar (database versions not stated): gnomAD exomes 0.00001; TOPMed 0.00001.
gnomAD v4.1: 12 of 1,614,054 alleles (0.00074%); highest among the groups gnomAD compares: Non-Finnish European, 0.001%; no homozygotes.

Submission:

CeGaT Center for Human Genetics Tuebingen
Classification: Uncertain significance. Last evaluated: 2024-05-01. Review status: criteria provided, single submitter. Criteria: CeGaT Center For Human Genetics Tuebingen Variant Classification Criteria Version 2. Collection method: clinical testing. Allele origin: germline. Affected: yes. Observed: 2 variant alleles.
Comment: FSHR: PM2, PP3, PP4

NM_000145.4(FSHR):c.854+5G>A

Gene: FSHR (follicle stimulating hormone receptor; minus strand). Cytogenetic location: 2p16.3.
Variant type: single nucleotide variant.
Coding change: c.854+5G>A on transcript NM_000145.4 (MANE Select); 5 bases into the intron after coding-DNA position 854, G replaced by A.
Molecular consequence: intron variant.
Genome position (GRCh38, 1-based): chr2:48,968,693, C>T on the plus strand (G>A on the coding strand, the complement: FSHR is on the minus strand). VCF-style: chr2-48968693-C-T. GRCh37 (hg19) VCF-style: chr2-49195832-C-T.
Other names: c.776+5G>A (NM_181446.3).
Identifiers: ClinVar variation 2571079 (VCV002571079.27), dbSNP rs750841775, ClinGen allele CA47333297.